The following is an entry in ClinVar:

NM_001042492.3(NF1):c.6418C>T (p.His2140Tyr)

Gene: NF1 (neurofibromin 1; plus strand). Cytogenetic location: 17q11.2.
Variant type: single nucleotide variant.
Coding change: c.6418C>T on transcript NM_001042492.3 (MANE Select); coding-DNA position 6418, C replaced by T.
Protein change: p.His2140Tyr; replaces histidine 2140 with tyrosine.
Molecular consequence: missense variant.
Genome position (GRCh38, 1-based): chr17:31,336,905, C>T. VCF-style: chr17-31336905-C-T. GRCh37 (hg19) VCF-style: chr17-29663923-C-T.
Other names: c.6355C>T, p.His2119Tyr (NM_000267.4); short protein forms H2119Y, H2140Y.
Identifiers: ClinVar variation 4800790 (VCV004800790.1).

ClinVar aggregate classification (germline): Uncertain significance (1 of 4 stars; one submission).

Conditions:
Neurofibromatosis, type 1 (NF1). Also called: VON RECKLINGHAUSEN DISEASE; Neurofibromatosis, type I; NEUROFIBROMATOSIS, TYPE I, SOMATIC; Peripheral type neurofibromatosis. Identifiers: Orphanet 636, MedGen C0027831, MONDO:0018975, OMIM 162200. Disease mechanism: loss of function.

Submission:

Labcorp Genetics (formerly Invitae), Labcorp
Classification: Uncertain significance for Neurofibromatosis, type 1. Last evaluated: 2026-01-19. Review status: criteria provided, single submitter. Criteria: Invitae Variant Classification Sherloc (09022015). Collection method: clinical testing. Allele origin: germline.
Comment: This sequence change replaces histidine, which is basic and polar, with tyrosine, which is neutral and polar, at codon 2119 of the NF1 protein (p.His2119Tyr). This variant is not present in population databases (gnomAD no frequency). This variant has not been reported in the literature in individuals affected with NF1-related conditions. Invitae Evidence Modeling of protein sequence and biophysical properties (such as structural, functional, and spatial information, amino acid conservation, physicochemical variation, residue mobility, and thermodynamic stability) indicates that this missense variant is not expected to disrupt NF1 protein function with a negative predictive value of 95%. In summary, the available evidence is currently insufficient to determine the role of this variant in disease. Therefore, it has been classified as a Variant of Uncertain Significance.